The following is an entry in ClinVar:

ClinVar aggregate classification (germline): Conflicting classifications of pathogenicity. Review status: criteria provided, conflicting classifications (1 of 4 stars). 5 submissions from 5 submitters: Uncertain significance (4); Likely benign (1). Last evaluated 2024-11-20.

Conditions:
Hereditary cancer-predisposing syndrome. Also called: Hereditary neoplastic syndrome; Neoplastic Syndromes, Hereditary; Tumor predisposition; Hereditary Cancer Syndrome. Identifiers: Orphanet 140162, MedGen C0027672, MeSH D009386, MONDO:0015356.
Familial cancer of breast. Also called: BREAST CANCER, FAMILIAL; Hereditary breast cancer; hereditary breast carcinoma. Identifiers: Orphanet 227535, MedGen C0346153, MONDO:0016419, OMIM 114480. Disease mechanism: loss of function.
Ataxia-telangiectasia syndrome (AT). Also called: LOUIS-BAR SYNDROME; Cerebello-oculocutaneous telangiectasia; Immunodeficiency with ataxia telangiectasia; AT, COMPLEMENTATION GROUP C; Ataxia-telangiectasia, complementation group D; ATAXIA-TELANGIECTASIA, COMPLEMENTATION GROUP A. Identifiers: Orphanet 100, MedGen C0004135, MONDO:0008840, OMIM 208900.

gnomAD v4.1: 1 of 1,613,324 alleles (0.000062%); no homozygotes.

Submissions (5):

Ambry Genetics
Classification: Likely benign for Hereditary cancer-predisposing syndrome. Last evaluated: 2024-11-20. Review status: criteria provided, single submitter. Criteria: Ambry Variant Classification Scheme 2023. Collection method: clinical testing. Allele origin: germline.

Color Diagnostics, LLC DBA Color Health
Classification: Uncertain significance for Hereditary cancer-predisposing syndrome. Last evaluated: 2023-12-04. Review status: criteria provided, single submitter. Criteria: ACMG Guidelines, 2015. Collection method: clinical testing. Allele origin: germline.
Comment: This missense variant replaces histidine with asparagine at codon 1895 of the ATM protein. Computational prediction suggests that this variant may not impact protein structure and function (internally defined REVEL score threshold <= 0.5, PMID: 27666373). To our knowledge, functional studies have not been reported for this variant. This variant has not been reported in individuals affected with ATM-related disorders in the literature. This variant has not been identified in the general population by the Genome Aggregation Database (gnomAD). The available evidence is insufficient to determine the role of this variant in disease conclusively. Therefore, this variant is classified as a Variant of Uncertain Significance.

Baylor Genetics
Classification: Uncertain significance for Familial cancer of breast. Last evaluated: 2023-10-03. Review status: criteria provided, single submitter. Criteria: ACMG Guidelines, 2015. Collection method: clinical testing. Allele origin: unknown.

GeneDx
Classification: Uncertain significance. Last evaluated: 2023-05-08. Review status: criteria provided, single submitter. Criteria: GeneDx Variant Classification Process June 2021. Collection method: clinical testing. Allele origin: germline. Affected: yes.
Comment: Not observed at significant frequency in large population cohorts (gnomAD); In silico analysis supports that this missense variant does not alter protein structure/function; Has not been previously published as pathogenic or benign to our knowledge; This variant is associated with the following publications: (PMID: 32292574, 34556870)

Labcorp Genetics (formerly Invitae), Labcorp
Classification: Uncertain significance for Ataxia-telangiectasia syndrome. Last evaluated: 2023-01-18. Review status: criteria provided, single submitter. Criteria: Invitae Variant Classification Sherloc (09022015). Collection method: clinical testing. Allele origin: germline.
Comment: ClinVar contains an entry for this variant (Variation ID: 482572). This variant has not been reported in the literature in individuals affected with ATM-related conditions. This variant is not present in population databases (gnomAD no frequency). This sequence change replaces histidine, which is basic and polar, with asparagine, which is neutral and polar, at codon 1895 of the ATM protein (p.His1895Asn). In summary, the available evidence is currently insufficient to determine the role of this variant in disease. Therefore, it has been classified as a Variant of Uncertain Significance. Algorithms developed to predict the effect of missense changes on protein structure and function output the following: SIFT: "Tolerated"; PolyPhen-2: "Benign"; Align-GVGD: "Class C0". The asparagine amino acid residue is found in multiple mammalian species, which suggests that this missense change does not adversely affect protein function.

NM_000051.4(ATM):c.5683C>A (p.His1895Asn)

Gene: ATM (ATM serine/threonine kinase; plus strand). Cytogenetic location: 11q22.3.
Variant type: single nucleotide variant.
Coding change: c.5683C>A on transcript NM_000051.4 (MANE Select); coding-DNA position 5683, C replaced by A.
Protein change: p.His1895Asn; replaces histidine 1895 with asparagine.
Molecular consequence: missense variant.
Genome position (GRCh38, 1-based): chr11:108,307,905, C>A. VCF-style: chr11-108307905-C-A. GRCh37 (hg19) VCF-style: chr11-108178632-C-A.
Other names: c.5683C>A, p.His1895Asn (NM_001351834.2); short protein forms H1895N.
Identifiers: ClinVar variation 482572 (VCV000482572.21), dbSNP rs766901049, ClinGen allele CA382547751.
Genomic context (GRCh38, chr11:108,307,905, plus strand): 5'-GGTGTGTAAGCAAGAATGCCTGGGACTGAGGGGAGATATTTTTGTTTGTCAGAGTCAGAG[C>A]ACTTTTTCCGATGCTGTTTGGATAAAAAATCACAAAGAACAATGCTTGCTGTTGTGGACT-3'
Protein context (NP_000042.3, residues 1885-1905): TPANLDSESE[His1895Asn]FFRCCLDKKS